The following is an entry in ClinVar:

ClinVar aggregate classification (germline): Conflicting classifications of pathogenicity. Review status: criteria provided, conflicting classifications (1 of 4 stars). 2 submissions from 2 submitters: Likely pathogenic (1); Uncertain significance (1). Last evaluated 2024-12-12.

Conditions:
Hereditary factor IX deficiency disease (HEMB). Also called: Hemophilia B; PLASMA THROMBOPLASTIN COMPONENT DEFICIENCY; Christmas Disease; F9 DEFICIENCY; FACTOR IX DEFICIENCY. Identifiers: Orphanet 98879, MedGen C0008533, MeSH D002836, MONDO:0010604, OMIM 306900.
Thrombophilia, X-linked, due to factor 9 defect. Identifiers: MedGen C2749016, MONDO:0010432, OMIM 300807.

Submissions (2):

Labcorp Genetics (formerly Invitae), Labcorp
Classification: Likely pathogenic for Thrombophilia, X-linked, due to factor 9 defect; Hereditary factor IX deficiency disease. Last evaluated: 2024-12-12. Review status: criteria provided, single submitter. Criteria: Invitae Variant Classification Sherloc (09022015). Collection method: clinical testing. Allele origin: germline.
Comment: This sequence change affects codon 29 of the F9 mRNA. It is a 'silent' change, meaning that it does not change the encoded amino acid sequence of the F9 protein. RNA analysis indicates that this variant induces altered splicing and likely results in the loss of 3 amino acid residue(s), but is expected to preserve the integrity of the reading-frame. This variant is not present in population databases (gnomAD no frequency). This variant has been observed in individuals with hemophilia B (PMID: 8091381, 24375831, 31102861; internal data). This variant is also known as A116G. ClinVar contains an entry for this variant (Variation ID: 1330696). Studies have shown that this variant results in the activation of a cryptic splice site in exon 1 (PMID: 31102861). In summary, the currently available evidence indicates that the variant is pathogenic, but additional data are needed to prove that conclusively. Therefore, this variant has been classified as Likely Pathogenic.

ARUP Laboratories, Molecular Genetics and Genomics, ARUP Laboratories
Classification: Uncertain significance. Last evaluated: 2021-05-26. Review status: criteria provided, single submitter. Criteria: ARUP Molecular Germline Variant Investigation Process 2021. Collection method: clinical testing. Allele origin: germline.
Comment: The F9 c.87A>G; p.Thr29= variant is reported in the literature in individuals affected with hemophilia B, with severity ranging from mild to severe (see link to FIX database, Belvini 2005, Miller 2012). This variant is absent from the Genome Aggregation Database, indicating it is not a common polymorphism. This is a synonymous variant in a moderately conserved nucleotide, but computational analyses (Alamut v.2.11) predict that this variant may impact splicing by weakening the nearby canonical donor splice site. Based on available information, this variant is considered to be likely pathogenic. References: Link to FIX Database: Belvini D et al. Molecular genotyping of the Italian cohort of patients with hemophilia B. Haematologica. 2005 May;90(5):635-42. PMID: 15921378. Miller CH et al. F8 and F9 mutations in US haemophilia patients: correlation with history of inhibitor and race/ethnicity. Haemophilia. 2012 May;18(3):375-82. PMID: 22103590.

Literature cited by the submitters: PubMed 8091381 (cited by Labcorp Genetics (formerly Invitae), Labcorp); PubMed 24375831 (cited by Labcorp Genetics (formerly Invitae), Labcorp); PubMed 31102861 (cited by Labcorp Genetics (formerly Invitae), Labcorp).

NM_000133.4(F9):c.87A>G (p.Thr29=)

Gene: F9 (coagulation factor IX; plus strand). Cytogenetic location: Xq27.1.
Variant type: single nucleotide variant.
Coding change: c.87A>G on transcript NM_000133.4 (MANE Select); coding-DNA position 87, A replaced by G.
Protein change: p.Thr29=; no amino-acid change (threonine 29 retained).
Molecular consequence: synonymous variant.
Genome position (GRCh38, 1-based): chrX:139,530,851, A>G. VCF-style: chrX-139530851-A-G. GRCh37 (hg19) VCF-style: chrX-138613010-A-G.
Other names: c.87A>G, p.Thr29= (NM_001313913.2).
Identifiers: ClinVar variation 1330696 (VCV001330696.9), dbSNP rs2148353000, ClinGen allele CA518858274.